The following is an entry in ClinVar:

NM_000057.4(BLM):c.1220G>C (p.Arg407Thr)

Gene: BLM (BLM RecQ like helicase; plus strand). Cytogenetic location: 15q26.1.
Variant type: single nucleotide variant.
Coding change: c.1220G>C on transcript NM_000057.4 (MANE Select); coding-DNA position 1220, G replaced by C.
Protein change: p.Arg407Thr; replaces arginine 407 with threonine.
Molecular consequence: missense variant.
Genome position (GRCh38, 1-based): chr15:90,760,279, G>C. VCF-style: chr15-90760279-G-C. GRCh37 (hg19) VCF-style: chr15-91303509-G-C.
Other names: c.1220G>C (NM_000057.2); c.1220G>C, p.Arg407Thr (NM_001287246.2, NM_001287247.2); c.95G>C, p.Arg32Thr (NM_001287248.2); short protein forms R407T, R32T.
Identifiers: ClinVar variation 654963 (VCV000654963.18), dbSNP rs1350192744, ClinGen allele CA393842576.

ClinVar aggregate classification (germline): Conflicting classifications of pathogenicity. Review status: criteria provided, conflicting classifications (1 of 4 stars). 4 submissions from 4 submitters: Pathogenic (1); Uncertain significance (2). 1 of the submissions does not count toward it. Last evaluated 2026-02-02.

Conditions:
Hereditary cancer-predisposing syndrome. Also called: Tumor predisposition; Hereditary neoplastic syndrome; Hereditary Cancer Syndrome; Neoplastic Syndromes, Hereditary. Identifiers: Orphanet 140162, MedGen C0027672, MeSH D009386, MONDO:0015356.
Bloom syndrome (BLM). Also called: Bloom-Torre-Machacek syndrome. Identifiers: Orphanet 125, MedGen C0005859, MONDO:0008876, OMIM 210900.

Submissions (4):

Ambry Genetics
Classification: Uncertain significance for Hereditary cancer-predisposing syndrome. Last evaluated: 2026-02-02. Review status: criteria provided, single submitter. Criteria: Ambry Variant Classification Scheme 2023. Collection method: clinical testing. Allele origin: germline.
Comment: The c.1220G>C variant (also known as p.R407T), located in coding exon 5 of the BLM gene, results from a G to C substitution at nucleotide position 1220. The arginine at codon 407 is replaced with threonine, an amino acid with similar properties. However, this change occurs in the last base pair of coding exon 5, which makes it likely to have some effect on normal mRNA splicing. This nucleotide position is highly conserved in available vertebrate species. This amino acid position is highly conserved in available vertebrate species. In silico splice site analysis predicts that this alteration will weaken the native splice donor site. In addition, as a missense substitution this is predicted to be inconclusive by in silico analysis. Based on the available evidence, the clinical significance of this variant remains unclear.

Myriad Genetics, Inc.
Classification: Uncertain significance for Bloom syndrome. Last evaluated: 2025-10-07. Review status: criteria provided, single submitter. Criteria: Myriad Autosomal Dominant, Autosomal Recessive and X-Linked Classification Criteria (2023). Collection method: clinical testing. Allele origin: unknown.
Comment: NM_000057.3(BLM):c.1220G>C(R407T) is a missense variant classified as a variant of uncertain significance in the context of Bloom syndrome. R407T has not been observed in cases with relevant disease. Relevant functional assessments of this variant are not available in the literature. R407T has not been observed in referenced population frequency databases. In summary, there is insufficient evidence to classify NM_000057.3(BLM):c.1220G>C(R407T) as pathogenic or benign. Please note: this variant was assessed in the context of healthy population screening.

Labcorp Genetics (formerly Invitae), Labcorp
Classification: Pathogenic for Bloom syndrome. Last evaluated: 2024-01-11. Review status: criteria provided, single submitter. Criteria: Invitae Variant Classification Sherloc (09022015). Collection method: clinical testing. Allele origin: germline.
Comment: This sequence change replaces arginine, which is basic and polar, with threonine, which is neutral and polar, at codon 407 of the BLM protein (p.Arg407Thr). RNA analysis indicates that this missense change induces altered splicing and may result in an absent or disrupted protein product. This variant is not present in population databases (gnomAD no frequency). This variant has not been reported in the literature in individuals affected with BLM-related conditions. ClinVar contains an entry for this variant (Variation ID: 654963). An algorithm developed to predict the effect of missense changes on protein structure and function (PolyPhen-2) suggests that this variant is likely to be disruptive. Variants that disrupt the consensus splice site are a relatively common cause of aberrant splicing (PMID: 17576681, 9536098). Studies have shown that this missense change results in skipping of exon 6 and introduces a premature termination codon (Invitae). The resulting mRNA is expected to undergo nonsense-mediated decay. For these reasons, this variant has been classified as Pathogenic.

Natera, Inc.
Classification: Uncertain significance for Bloom syndrome. Last evaluated: 2020-09-14. Review status: no assertion criteria provided. Collection method: clinical testing. Allele origin: germline. Not counted in ClinVar's aggregate classification.

Literature cited by the submitters: PubMed 17576681 (cited by Labcorp Genetics (formerly Invitae), Labcorp); PubMed 9536098 (cited by Labcorp Genetics (formerly Invitae), Labcorp).